The following is an entry in ClinVar:

ClinVar aggregate classification (germline): Uncertain significance (1 of 4 stars; one submission).

Conditions:
Ectodermal dysplasia 14, hair/tooth type with or without hypohidrosis. Identifiers: Orphanet 685067, MedGen C4748560, MONDO:0032584, OMIM 618180.

Submission:

Lupski Lab, Baylor-Hopkins CMG, Baylor College of Medicine
Classification: Uncertain significance for Ectodermal dysplasia 14, hair/tooth type with or without hypohidrosis. Last evaluated: 2026-07-01. Review status: criteria provided, single submitter. Criteria: ACMG Guidelines, 2015. Collection method: research. Allele origin: paternal, germline. Inheritance: Autosomal recessive inheritance. Affected: yes and no. Observed: 3 variant alleles, 1 heterozygote, 2 compound heterozygotes. Clinical features observed: Sparse scalp hair (HP:0002209), Tooth agenesis (HP:0009804), Hypodontia (HP:0000668), Small, conical teeth (HP:0200141), Abnormal dental morphology (HP:0006482), Prominent forehead (HP:0011220), Duplicated collecting system (HP:0000081), Vesicoureteral reflux (HP:0000076), Decreased lacrimation (HP:0000633), Atopic eczema (HP:0001047), Sparse body hair (HP:0002231), Microdontia (HP:0000691), and 3 more. Segregation with disease observed.
Comment: This variant is a deletion of exons 7-8 of TSPEAR (Chr 21:44525379-44527738, hg38), identified by long-read genome sequencing. Both breakpoints fall within the coding region of same gene, qualifying this as a gene-level sequence variant (2E, +0.45 pts). This deletion overlaps an established haploinsufficiency/LOF-sensitive genomic region (2B, 0.0 pts). The variant segregates with a consistent ectodermal dysplasia phenotype across two affected siblings who share the same genotype (5D, 0.0 pts). This deletion was identified in compound heterozygosity with TSPEAR(NM_144991.3):c.1915G>A(p.Asp639Asn), a variant classified as Likely Pathogenic by this submitter (submitted separately). Parental testing confirms the deletion is paternally inherited and the missense variant is maternally inherited, establishing that the two variants are in trans. Both affected siblings carry the same compound heterozygous genotype and present with ectodermal dysplasia features consistent with Ectodermal Dysplasia 14 (OMIM #618180). (2E, 0.45)

NM_144991.3(TSPEAR):c.923-220_1336+274del

Gene: TSPEAR (thrombospondin type laminin G domain and EAR repeats; minus strand). Cytogenetic location: 21q22.3.
Variant type: Deletion.
Coding change: c.923-220_1336+274del on transcript NM_144991.3 (MANE Select); 220 bases into the intron before coding-DNA position 923 through 274 bases into the intron after coding-DNA position 1336, 2,360 bases deleted.
Molecular consequence: splice acceptor variant, splice donor variant.
Genome position (GRCh38, 1-based): chr21:44,525,379-44,527,738, 2,360 bases deleted. GRCh37 (hg19): chr21:45,945,267-45,947,626.
Other names: c.719-220_1132+274del (NM_001272037.2).
Identifiers: ClinVar variation 4974485 (VCV004974485.1).